The following is an entry in ClinVar:

ClinVar aggregate classification (germline): Conflicting classifications of pathogenicity. Review status: criteria provided, conflicting classifications (1 of 4 stars). 6 submissions from 6 submitters: Uncertain significance (4); Likely benign (1). 1 of the submissions does not count toward it. Last evaluated 2025-09-19.

Conditions:
Hereditary cancer-predisposing syndrome. Also called: Neoplastic Syndromes, Hereditary; Hereditary Cancer Syndrome; Hereditary neoplastic syndrome; Tumor predisposition. Identifiers: Orphanet 140162, MedGen C0027672, MeSH D009386, MONDO:0015356.
Hereditary breast ovarian cancer syndrome. Also called: Hereditary breast and ovarian cancer syndrome; Hereditary breast and/or ovarian cancer syndrome; BRCA1- and BRCA2-Associated Hereditary Breast and Ovarian Cancer; Hereditary breast and ovarian cancer; Breast and ovarian cancer; Hereditary breast and ovarian cancer syndrome (HBOC). Identifiers: Orphanet 145, MedGen C0677776, MeSH D061325, MONDO:0003582. Disease mechanism: loss of function.
Breast-ovarian cancer, familial, susceptibility to, 2 (BROVCA2). Also called: BRCA2 Hereditary Breast and Ovarian Cancer. Identifiers: Orphanet 145, MedGen C2675520, MONDO:0012933, OMIM 612555. Disease mechanism: loss of function.

Allele frequency attached by ClinVar (database versions not stated): gnomAD 0.00001; TOPMed 0.00002.
gnomAD v4.1: 3 of 1,613,890 alleles (0.00019%); highest among the groups gnomAD compares: African/African-American, 0.0027%; no homozygotes.

Submissions (6):

Ambry Genetics
Classification: Uncertain significance for Hereditary cancer-predisposing syndrome. Last evaluated: 2025-09-19. Review status: criteria provided, single submitter. Criteria: Ambry Variant Classification Scheme 2023. Collection method: clinical testing. Allele origin: germline.
Comment: The p.E764Q variant (also known as c.2290G>C), located in coding exon 10 of the BRCA2 gene, results from a G to C substitution at nucleotide position 2290. The glutamic acid at codon 764 is replaced by glutamine, an amino acid with highly similar properties. This amino acid position is poorly conserved in available vertebrate species. In addition, this alteration is predicted to be tolerated by in silico analysis. Since supporting evidence is limited at this time, the clinical significance of this alteration remains unclear.

Labcorp Genetics (formerly Invitae), Labcorp
Classification: Uncertain significance for Hereditary breast ovarian cancer syndrome. Last evaluated: 2025-05-05. Review status: criteria provided, single submitter. Criteria: Invitae Variant Classification Sherloc (09022015). Collection method: clinical testing. Allele origin: germline.
Comment: This sequence change replaces glutamic acid, which is acidic and polar, with glutamine, which is neutral and polar, at codon 764 of the BRCA2 protein (p.Glu764Gln). This variant is not present in population databases (gnomAD no frequency). This variant has not been reported in the literature in individuals affected with BRCA2-related conditions. ClinVar contains an entry for this variant (Variation ID: 141986). Invitae Evidence Modeling of protein sequence and biophysical properties (such as structural, functional, and spatial information, amino acid conservation, physicochemical variation, residue mobility, and thermodynamic stability) indicates that this missense variant is not expected to disrupt BRCA2 protein function with a negative predictive value of 95%. In summary, the available evidence is currently insufficient to determine the role of this variant in disease. Therefore, it has been classified as a Variant of Uncertain Significance.

University of Washington Department of Laboratory Medicine, University of Washington
Classification: Likely benign for Hereditary cancer-predisposing syndrome. Last evaluated: 2023-03-23. Review status: criteria provided, single submitter. Criteria: Dines et al. (Genet Med. 2020). Collection method: curation. Allele origin: germline.
Comment: Missense variant in a coldspot region where missense variants are very unlikely to be pathogenic (PMID:31911673).

BRCA2 exon 11 coldspot. Reclassification based on statistical prior probability.

Women's Health and Genetics/Laboratory Corporation of America, LabCorp
Classification: Uncertain significance. Last evaluated: 2021-04-10. Review status: criteria provided, single submitter. Criteria: LabCorp Variant Classification Summary - May 2015. Collection method: clinical testing. Allele origin: germline.
Comment: Variant summary: BRCA2 c.2290G>C (p.Glu764Gln) results in a conservative amino acid change in the encoded protein sequence. Five of five in-silico tools predict a benign effect of the variant on protein function. The variant was absent in 251134 control chromosomes. The available data on variant occurrences in the general population are insufficient to allow any conclusion about variant significance. To our knowledge, no occurrence of c.2290G>C in individuals affected with Hereditary Breast And Ovarian Cancer Syndrome and no experimental evidence demonstrating its impact on protein function have been reported. Four clinical diagnostic laboratories have submitted clinical-significance assessments for this variant to ClinVar after 2014 without evidence for independent evaluation. All laboratories classified the variant as uncertain significance. Based on the evidence outlined above, the variant was classified as uncertain significance.

Color Diagnostics, LLC DBA Color Health
Classification: Uncertain significance for Hereditary cancer-predisposing syndrome. Last evaluated: 2020-02-25. Review status: criteria provided, single submitter. Criteria: ACMG Guidelines, 2015. Collection method: clinical testing. Allele origin: germline.
Comment: This missense variant replaces glutamic acid with glutamine at codon 764 of the BRCA2 protein. Computational prediction suggests that this variant may not impact protein structure and function (internally defined REVEL score threshold <= 0.5, PMID: 27666373). Splice site prediction tools suggest that this variant may not impact RNA splicing. To our knowledge, functional studies have not been performed for this variant. This variant has not been reported in individuals affected with hereditary cancer in the literature. This variant has not been identified in the general population by the Genome Aggregation Database (gnomAD). The available evidence is insufficient to determine the role of this variant in disease conclusively. Therefore, this variant is classified as a Variant of Uncertain Significance.

Counsyl
Classification: Uncertain significance for Breast-ovarian cancer, familial, susceptibility to, 2. Last evaluated: 2016-09-26. Review status: no assertion criteria provided. Collection method: clinical testing. Allele origin: unknown. Not counted in ClinVar's aggregate classification.

NM_000059.4(BRCA2):c.2290G>C (p.Glu764Gln)

Gene: BRCA2 (BRCA2 DNA repair associated; plus strand). Cytogenetic location: 13q13.1.
Variant type: single nucleotide variant.
Coding change: c.2290G>C on transcript NM_000059.4 (MANE Select); coding-DNA position 2290, G replaced by C.
Protein change: p.Glu764Gln; replaces glutamic acid 764 with glutamine.
Molecular consequence: missense variant.
Genome position (GRCh38, 1-based): chr13:32,336,645, G>C. VCF-style: chr13-32336645-G-C. GRCh37 (hg19) VCF-style: chr13-32910782-G-C.
Other names: short protein forms E764Q.
Identifiers: ClinVar variation 141986 (VCV000141986.24), dbSNP rs587782158, ClinGen allele CA014892.